The following is an entry in ClinVar:

NM_152906.7(TANGO2):c.494G>A (p.Arg165Lys)

Gene: TANGO2 (transport and golgi organization 2 homolog; plus strand). Cytogenetic location: 22q11.21.
Variant type: single nucleotide variant.
Coding change: c.494G>A on transcript NM_152906.7 (MANE Select); coding-DNA position 494, G replaced by A.
Protein change: p.Arg165Lys; replaces arginine 165 with lysine.
Molecular consequence: missense variant. On other transcripts: non-coding transcript variant (3), intron variant (4).
Genome position (GRCh38, 1-based): chr22:20,061,572, G>A. VCF-style: chr22-20061572-G-A. GRCh37 (hg19) VCF-style: chr22-20049095-G-A.
Other names: c.494G>A, p.Arg165Lys (NM_001283106.3, NM_001283116.3, NM_001283148.3 and 2 more transcripts); c.617G>A, p.Arg206Lys (NM_001283129.3, NM_001322141.2, NM_001322143.2 and 1 more transcripts); c.308G>A, p.Arg103Lys (NM_001283179.3, NM_001283186.3, NM_001322163.2 and 3 more transcripts); c.200G>A, p.Arg67Lys (NM_001283235.3, NM_001322150.2, NM_001322153.2 and 6 more transcripts); c.431G>A, p.Arg144Lys (NM_001322145.2, NM_001322147.2); c.392G>A, p.Arg131Lys (NM_001322146.2, NM_001322148.2, NM_001322160.2); c.381-1766G>A (NM_001283199.3); c.575-2970G>A (NM_001283215.3); and 2 more; short protein forms R206K, R103K, R131K, R67K, R144K, R165K.
Identifiers: ClinVar variation 1961342 (VCV001961342.2), dbSNP rs2519075582, ClinGen allele CA410699151.

ClinVar aggregate classification (germline): Uncertain significance (1 of 4 stars; one submission).

Allele frequency attached by ClinVar (database versions not stated): gnomAD exomes below 0.00001.
gnomAD v4.1: 1 of 1,605,294 alleles (0.000062%); highest among the groups gnomAD compares: Non-Finnish European, 0.000085%; no homozygotes.

Submission:

Labcorp Genetics (formerly Invitae), Labcorp
Classification: Uncertain significance. Last evaluated: 2022-01-14. Review status: criteria provided, single submitter. Criteria: Invitae Variant Classification Sherloc (09022015). Collection method: clinical testing. Allele origin: germline.
Comment: This sequence change replaces arginine, which is basic and polar, with lysine, which is basic and polar, at codon 165 of the TANGO2 protein (p.Arg165Lys). This variant is not present in population databases (gnomAD no frequency). This variant has not been reported in the literature in individuals affected with TANGO2-related conditions. Algorithms developed to predict the effect of missense changes on protein structure and function output the following: SIFT: "Not Available"; PolyPhen-2: "Benign"; Align-GVGD: "Not Available". The lysine amino acid residue is found in multiple mammalian species, which suggests that this missense change does not adversely affect protein function. In summary, the available evidence is currently insufficient to determine the role of this variant in disease. Therefore, it has been classified as a Variant of Uncertain Significance.